The following is an entry in ClinVar:

NM_001408.3(CELSR2):c.7005G>A (p.Ser2335=)

Gene: CELSR2 (cadherin EGF LAG seven-pass G-type receptor 2; plus strand). Cytogenetic location: 1p13.3.
Variant type: single nucleotide variant.
Coding change: c.7005G>A on transcript NM_001408.3 (MANE Select); coding-DNA position 7005, G replaced by A.
Protein change: p.Ser2335=; no amino-acid change (serine 2335 retained).
Molecular consequence: synonymous variant.
Genome position (GRCh38, 1-based): chr1:109,269,718, G>A. VCF-style: chr1-109269718-G-A. GRCh37 (hg19) VCF-style: chr1-109812340-G-A.
Identifiers: ClinVar variation 2638975 (VCV002638975.24), dbSNP rs112535276, ClinGen allele CA988088.

ClinVar aggregate classification (germline): Likely benign (1 of 4 stars; one submission).

Allele frequency attached by ClinVar (database versions not stated): TOPMed 0.00028; ESP Exome Variant Server 0.00031.
gnomAD v4.1: 91 of 1,614,020 alleles (0.0056%); highest among the groups gnomAD compares: African/African-American, 0.085%; no homozygotes.

Submission:

CeGaT Center for Human Genetics Tuebingen
Classification: Likely benign. Last evaluated: 2022-09-01. Review status: criteria provided, single submitter. Criteria: CeGaT Center For Human Genetics Tuebingen Variant Classification Criteria Version 2. Collection method: clinical testing. Allele origin: germline. Affected: yes. Observed: 1 variant allele.
Comment: CELSR2: BP4, BP7